The following is an entry in ClinVar:

NM_015506.3(MMACHC):c.151_152del (p.Leu51fs)

Gene: MMACHC (metabolism of cobalamin associated C; plus strand). Cytogenetic location: 1p34.1.
Variant type: Deletion.
Coding change: c.151_152del on transcript NM_015506.3 (MANE Select); coding-DNA positions 151 to 152, 2 bases deleted (CT; older notation c.151_152delCT).
Protein change: p.Leu51fs; shifts the reading frame from leucine 51.
Molecular consequence: frameshift variant. On other transcripts: 5 prime UTR variant (1).
Genome position (GRCh38, 1-based): chr1:45,507,425-45,507,426, CT deleted. VCF-style (leftmost placement, unchanged base first): chr1-45507424-CCT-C. GRCh37 (hg19) VCF-style: chr1-45973096-CCT-C.
Other names: c.-21_-20del (NM_001330540.2); short protein forms L51fs.
Identifiers: ClinVar variation 1938082 (VCV001938082.6), dbSNP rs2522820123, ClinGen allele CA2574352213.

ClinVar aggregate classification (germline): Pathogenic (1 of 4 stars; one submission).

Conditions:
Cobalamin C disease. Also called: Methylmalonic aciduria and homocystinuria, Vitamin B12-responsive; Vitamin B12 metabolic defect with combined deficiency of methylmalonyl-CoA mutase and homocysteine:methyltetrahydrofolate methyltransferase; Cobalamin-C methylmalonic acidemia and homocystinuria; Methylmalonic acidemia and homocystinuria cblC type; Methylmalonic aciduria with homocystinuria cblC type; methylmalonic aciduria and homocystinuria type cblC. Identifiers: Orphanet 26, Orphanet 79282, MedGen C1848561, MONDO:0010184, OMIM 277400.

Submission:

Labcorp Genetics (formerly Invitae), Labcorp
Classification: Pathogenic for Cobalamin C disease. Last evaluated: 2022-02-08. Review status: criteria provided, single submitter. Criteria: Invitae Variant Classification Sherloc (09022015). Collection method: clinical testing. Allele origin: germline.
Comment: For these reasons, this variant has been classified as Pathogenic. This variant has not been reported in the literature in individuals affected with MMACHC-related conditions. This variant is not present in population databases (gnomAD no frequency). This sequence change creates a premature translational stop signal (p.Leu51Glyfs*9) in the MMACHC gene. It is expected to result in an absent or disrupted protein product. Loss-of-function variants in MMACHC are known to be pathogenic (PMID: 16311595).

Literature cited by the submitters: PubMed 16311595.